The following is an entry in ClinVar:

NM_133433.4(NIPBL):c.614C>T (p.Ser205Leu)

Gene: NIPBL (NIPBL cohesin loading factor; plus strand). Cytogenetic location: 5p13.2.
Variant type: single nucleotide variant.
Coding change: c.614C>T on transcript NM_133433.4 (MANE Select); coding-DNA position 614, C replaced by T.
Protein change: p.Ser205Leu; replaces serine 205 with leucine.
Molecular consequence: missense variant.
Genome position (GRCh38, 1-based): chr5:36,970,879, C>T. VCF-style: chr5-36970879-C-T. GRCh37 (hg19) VCF-style: chr5-36970981-C-T.
Other names: c.614C>T (NM_133433.3); c.614C>T, p.Ser205Leu (NM_015384.5); short protein forms S205L.
Identifiers: ClinVar variation 2737490 (VCV002737490.5), dbSNP rs576532771, ClinGen allele CA3235892.

ClinVar aggregate classification (germline): Conflicting classifications of pathogenicity. Review status: criteria provided, conflicting classifications (1 of 4 stars). 3 submissions from 3 submitters: Uncertain significance (2); Likely benign (1). Last evaluated 2025-12-03.

Conditions:
Inborn genetic diseases. Identifiers: MedGen C0950123, MeSH D030342.
Cornelia de Lange syndrome 1 (CDLS1). Also called: NIPBL-Related Cornelia de Lange Syndrome; TYPUS DEGENERATIVUS AMSTELODAMENSIS; Brachmann de Lange syndrome. Identifiers: Orphanet 199, MedGen C4551851, MONDO:0007387, OMIM 122470.

Allele frequency attached by ClinVar (database versions not stated): gnomAD exomes 0.00003; TOPMed 0.00004; gnomAD 0.00005; ExAC 0.00007; 1000 Genomes Project 30x 0.00016; 1000 Genomes Project 0.00020.
gnomAD v4.1: 43 of 1,612,448 alleles (0.0027%); highest among the groups gnomAD compares: Admixed American, 0.023%; 1 homozygote.

Submissions (3):

Ambry Genetics
Classification: Likely benign for Inborn genetic diseases. Last evaluated: 2025-12-03. Review status: criteria provided, single submitter. Criteria: Ambry Variant Classification Scheme 2023. Collection method: clinical testing. Allele origin: germline.

Labcorp Genetics (formerly Invitae), Labcorp
Classification: Uncertain significance for Cornelia de Lange syndrome 1. Last evaluated: 2025-11-17. Review status: criteria provided, single submitter. Criteria: Invitae Variant Classification Sherloc (09022015). Collection method: clinical testing. Allele origin: germline.
Comment: This sequence change replaces serine, which is neutral and polar, with leucine, which is neutral and non-polar, at codon 205 of the NIPBL protein (p.Ser205Leu). This variant is present in population databases (rs576532771, gnomAD 0.02%), including at least one homozygous and/or hemizygous individual. This variant has not been reported in the literature in individuals affected with NIPBL-related conditions. ClinVar contains an entry for this variant (Variation ID: 2737490). Invitae Evidence Modeling of protein sequence and biophysical properties (such as structural, functional, and spatial information, amino acid conservation, physicochemical variation, residue mobility, and thermodynamic stability) has been performed for this missense variant. However, the output from this modeling did not meet the statistical confidence thresholds required to predict the impact of this variant on NIPBL protein function. In summary, the available evidence is currently insufficient to determine the role of this variant in disease. Therefore, it has been classified as a Variant of Uncertain Significance.

Fulgent Genetics
Classification: Uncertain significance for Cornelia de Lange syndrome 1. Last evaluated: 2024-05-04. Review status: criteria provided, single submitter. Criteria: ACMG Guidelines, 2015. Collection method: clinical testing. Allele origin: germline.